The following is an entry in ClinVar:

NM_012213.3(MLYCD):c.798+17A>G

Gene: MLYCD (malonyl-CoA decarboxylase; plus strand). Cytogenetic location: 16q23.3.
Variant type: single nucleotide variant.
Coding change: c.798+17A>G on transcript NM_012213.3 (MANE Select); 17 bases into the intron after coding-DNA position 798, A replaced by G.
Molecular consequence: intron variant.
Genome position (GRCh38, 1-based): chr16:83,908,299, A>G. VCF-style: chr16-83908299-A-G. GRCh37 (hg19) VCF-style: chr16-83941904-A-G.
Identifiers: ClinVar variation 2144538 (VCV002144538.1), dbSNP rs560483407, ClinGen allele CA8197376.

ClinVar aggregate classification (germline): Uncertain significance (1 of 4 stars; one submission).

Conditions:
Deficiency of malonyl-CoA decarboxylase. Also called: Malonic aciduria; MCD deficiency. Identifiers: Orphanet 943, MedGen C0342793, MONDO:0009556, OMIM 248360.

Allele frequency attached by ClinVar (database versions not stated): gnomAD 0.00002; TOPMed 0.00002; ExAC 0.00007; 1000 Genomes Project 30x 0.00016; 1000 Genomes Project 0.00020.

Submission:

Labcorp Genetics (formerly Invitae), Labcorp
Classification: Uncertain significance for Deficiency of malonyl-CoA decarboxylase. Last evaluated: 2022-04-26. Review status: criteria provided, single submitter. Criteria: Invitae Variant Classification Sherloc (09022015). Collection method: clinical testing. Allele origin: germline.
Comment: This sequence change falls in intron 3 of the MLYCD gene. It does not directly change the encoded amino acid sequence of the MLYCD protein. This variant is present in population databases (rs560483407, gnomAD 0.04%). This variant has not been reported in the literature in individuals affected with MLYCD-related conditions. Algorithms developed to predict the effect of sequence changes on RNA splicing suggest that this variant may create or strengthen a splice site. In summary, the available evidence is currently insufficient to determine the role of this variant in disease. Therefore, it has been classified as a Variant of Uncertain Significance.